The following is an entry in ClinVar:

NM_001079668.3(NKX2-1):c.173G>T (p.Gly58Val)

Genes: NKX2-1 (NK2 homeobox 1; minus strand), SFTA3 (surfactant associated 3; minus strand). Cytogenetic location: 14q13.3.
Variant type: single nucleotide variant.
Coding change: c.173G>T on transcript NM_001079668.3 (MANE Select); coding-DNA position 173, G replaced by T.
Protein change: p.Gly58Val; replaces glycine 58 with valine.
Molecular consequence: missense variant.
Genome position (GRCh38, 1-based): chr14:36,519,275, C>A on the plus strand (G>T on the coding strand, the complement: NKX2-1 is on the minus strand). VCF-style: chr14-36519275-C-A. GRCh37 (hg19) VCF-style: chr14-36988480-C-A.
Other names: c.83G>T, p.Gly28Val (NM_003317.4); c.83G>T (NM_003317.3); short protein forms G58V, G28V.
Identifiers: ClinVar variation 1398548 (VCV001398548.5), dbSNP rs1050246022, ClinGen allele CA258878685.

ClinVar aggregate classification (germline): Uncertain significance. Review status: criteria provided, multiple submitters, no conflicts (2 of 4 stars). 2 submissions from 2 submitters: Uncertain significance (2). Last evaluated 2026-03-02.

Conditions:
Inborn genetic diseases. Identifiers: MedGen C0950123, MeSH D030342.

Allele frequency attached by ClinVar (database versions not stated): gnomAD 0.00001; TOPMed 0.00005.
gnomAD v4.1: 5 of 1,612,364 alleles (0.00031%); highest among the groups gnomAD compares: Admixed American, 0.0017%; no homozygotes.

Submissions (2):

Ambry Genetics
Classification: Uncertain significance for Inborn genetic diseases. Last evaluated: 2026-03-02. Review status: criteria provided, single submitter. Criteria: Ambry Variant Classification Scheme 2023. Collection method: clinical testing. Allele origin: germline.

Labcorp Genetics (formerly Invitae), Labcorp
Classification: Uncertain significance. Last evaluated: 2021-09-10. Review status: criteria provided, single submitter. Criteria: Invitae Variant Classification Sherloc (09022015). Collection method: clinical testing. Allele origin: germline.
Comment: In summary, the available evidence is currently insufficient to determine the role of this variant in disease. Therefore, it has been classified as a Variant of Uncertain Significance. Algorithms developed to predict the effect of missense changes on protein structure and function are either unavailable or do not agree on the potential impact of this missense change (SIFT: "Deleterious"; PolyPhen-2: "Benign"; Align-GVGD: "Class C0"). This variant has not been reported in the literature in individuals affected with NKX2-1-related conditions. This variant is not present in population databases (ExAC no frequency). This sequence change replaces glycine with valine at codon 58 of the NKX2-1 protein (p.Gly58Val). The glycine residue is highly conserved and there is a moderate physicochemical difference between glycine and valine.